The following is an entry in ClinVar:

NM_018075.5(ANO10):c.1494_1503del (p.Leu499fs)

Gene: ANO10 (anoctamin 10; minus strand). Cytogenetic location: 3p22.1.
Variant type: Deletion.
Coding change: c.1494_1503del on transcript NM_018075.5 (MANE Select); coding-DNA positions 1494 to 1503, 10 bases deleted (CTTGGAGTTA; older notation c.1494_1503delCTTGGAGTTA).
Protein change: p.Leu499fs; shifts the reading frame from leucine 499.
Molecular consequence: frameshift variant.
Genome position (GRCh38, 1-based): chr3:43,555,443-43,555,452, TAACTCCAAG deleted on the plus strand (CTTGGAGTTA on the coding strand, the reverse complement: ANO10 is on the minus strand); deleting any 10 consecutive bases within chr3:43,555,443-43,555,455 gives the same sequence; the c. name uses the placement nearest the transcript's 3' end. VCF-style (leftmost placement, unchanged base first): chr3-43555442-ATAACTCCAAG-A. GRCh37 (hg19) VCF-style: chr3-43596934-ATAACTCCAAG-A.
Other names: c.1494_1503del, p.Leu499fs (NM_001204831.3, NM_001346463.2, NM_001346464.2 and 3 more transcripts); c.1296_1305del, p.Leu433fs (NM_001204832.3, NM_001346466.2, NM_001346469.2); c.1161_1170del, p.Leu388fs (NM_001204833.3); c.924_933del, p.Leu309fs (NM_001204834.3); short protein forms L309fs, L388fs, L433fs, L499fs.
Identifiers: ClinVar variation 5014937 (VCV005014937.1).
Genomic context (GRCh38, chr3:43,555,442, plus strand): 5'-CAAAGGCAGCTGCTAATGGGTAAACACAGGAGAAAAGGCTCACATAACCAAACTGCAGGA[ATAACTCCAAG>A]TAATCATCAAAGGTGCCCTGAAAATATAAACAAGCATGCATTATTTTAATATCATACAAT-3'

ClinVar aggregate classification (germline): Pathogenic (1 of 4 stars; one submission).

Conditions:
Autosomal recessive spinocerebellar ataxia 10. Identifiers: Orphanet 284289, MedGen C3150998, MONDO:0013392, OMIM 613728.

Submission:

Myriad Genetics, Inc.
Classification: Pathogenic for Autosomal recessive spinocerebellar ataxia 10. Last evaluated: 2025-09-04. Review status: criteria provided, single submitter. Criteria: Myriad Autosomal Dominant, Autosomal Recessive and X-Linked Classification Criteria (2023). Collection method: clinical testing. Allele origin: unknown.
Comment: NM_018075.3(ANO10):c.1494_1503del10(L499Sfs*7) is expected to be pathogenic in the context of spinocerebellar ataxia, ANO10-related. This variant is predicted to lead to an abnormal or absent protein product due to the creation of a premature termination codon in ANO10, a gene where loss-of-function variants are known to be pathogenic. Please note: this variant was assessed in the context of healthy population screening.